The following is an entry in ClinVar:

ClinVar aggregate classification (germline): Uncertain significance. Review status: reviewed by expert panel (3 of 4 stars). 12 submissions from 10 submitters: Uncertain significance (1). 11 of the submissions do not count toward it. Last evaluated 2020-03-19.

Conditions:
Cardiovascular phenotype. Identifiers: MedGen CN230736.
Monogenic short statue.
RASopathy. Also called: rasopathies; Noonan spectrum disorder. Identifiers: Orphanet 536391, MedGen C5555857, MONDO:0021060.
Fibromatosis, gingival, 1 (GINGF1). Identifiers: Orphanet 2024, MedGen C4551558, MONDO:0007609, OMIM 135300.
Noonan syndrome 4 (NS4). Also called: SOS1-Related Noonan Syndrome; NOONAN SYNDROME WITH PIGMENTED VILLONODULAR SYNOVITIS. Identifiers: Orphanet 648, MedGen C1853120, MONDO:0012547, OMIM 610733.
Noonan syndrome (NS). Also called: Noonan's syndrome. Identifiers: Orphanet 648, MedGen C0028326, MeSH D009634, MONDO:0018997. Disease mechanism: gain of function.

Allele frequency attached by ClinVar (database versions not stated): ExAC 0.00010; gnomAD exomes 0.00010 and 0.00040; gnomAD 0.00017; TOPMed 0.00017; ESP Exome Variant Server 0.00023.
gnomAD v4.1: 588 of 1,613,732 alleles (0.036%); highest among the groups gnomAD compares: Non-Finnish European, 0.049%; no homozygotes.

Submissions (12):

ClinGen RASopathy Variant Curation Expert Panel
Classification: Uncertain significance for RASopathy. Last evaluated: 2020-03-19. Review status: reviewed by expert panel. Criteria: ClinGen RASopathy ACMG Specifications v1. Collection method: curation. Allele origin: germline. Inheritance: Autosomal dominant inheritance.
Comment: The c.3286T>A (p.Ser1096Thr) variant in SOS1 has been observed in 0.01864% (24/128738) of non-Finnish European chromosomes in gnomAD v2.1.1. This variant was seen in several individuals whose clinical presentations lacked clear associations with a RASopathy (PMIDs: 22589294, 26580448, 27153395; Invitae internal data, SCV000659145.1; Baylor internal data; Greenwood Genetic Center internal data). Of note, this variant has also been seen in apparently unaffected parental samples (n=14) evaluated during whole exome sequencing suggesting that this variant may be likely benign; however, these cases were not well-phenotyped and therefore do not meet current requirements for BS2 (BS2 not met; GeneDx internal data). Computational prediction tools and conservation analyses do not provide strong support for or against an impact to the protein. In summary, the clinical significance of this variant is uncertain.

NHS Central & South Genomic Laboratory Hub
Classification: Uncertain significance for Monogenic short statue. Last evaluated: 2026-08-06. Review status: criteria provided, single submitter. Criteria: ACMG Guidelines, 2015. Collection method: clinical testing. Allele origin: germline. Affected: yes. Not counted in ClinVar's aggregate classification.

St. Jude Molecular Pathology, St. Jude Children's Research Hospital
Classification: Uncertain significance for Noonan syndrome 4. Last evaluated: 2026-02-20. Review status: criteria provided, single submitter. Criteria: St. Jude Assertion Criteria 2020. Collection method: clinical testing. Allele origin: germline. Not counted in ClinVar's aggregate classification.
Comment: The SOS1 c.3286T>A change.Pathogenic variants in SOS1 are associated with Noonan syndrome, a rare autosomal dominant disorder characterized by an increased risk of childhood cancer, congenital heart defects, short stature, and distinctive facial features (OMIM ID: 610733). The SO S1 c.3286T>A p.(Ser1096Thr) missense change has a maximum subpopulation frequency of 0.019% in gnomAD v2.1.1. The in silico tool REVEL is inconclusive about a pathogenic or benign effect of this variant on protein func tion, and to our knowledge functional studies have not been performed. To our knowledge, this variant has not been reported in individuals with Noonan syndrome. In summary, the evidence currently available is insufficient to determine the clinical signif icance of this variant. It has therefore been classified as of uncertain significance.

Labcorp Genetics (formerly Invitae), Labcorp
Classification: Likely benign for RASopathy. Last evaluated: 2026-01-13. Review status: criteria provided, single submitter. Criteria: Invitae Variant Classification Sherloc (09022015). Collection method: clinical testing. Allele origin: germline. Not counted in ClinVar's aggregate classification.

Blueprint Genetics
Classification: Likely benign. Last evaluated: 2024-09-25. Review status: criteria provided, single submitter. Criteria: ACMG Guidelines, 2015. Collection method: clinical testing. Allele origin: germline. Not counted in ClinVar's aggregate classification.

Ambry Genetics
Classification: Likely benign for Cardiovascular phenotype. Last evaluated: 2023-07-24. Review status: criteria provided, single submitter. Criteria: Ambry Variant Classification Scheme 2023. Collection method: clinical testing. Allele origin: germline. Not counted in ClinVar's aggregate classification.

Fulgent Genetics
Classification: Uncertain significance for Fibromatosis, gingival, 1; Noonan syndrome 4. Last evaluated: 2021-08-13. Review status: criteria provided, single submitter. Criteria: ACMG Guidelines, 2015. Collection method: clinical testing. Allele origin: unknown. Not counted in ClinVar's aggregate classification.

GeneDx
Classification: Likely benign. Last evaluated: 2021-06-17. Review status: criteria provided, single submitter. Criteria: GeneDx Variant Classification Process June 2021. Collection method: clinical testing. Allele origin: germline. Affected: yes. Not counted in ClinVar's aggregate classification.
Comment: This variant is associated with the following publications: (PMID: 31368652, 29493581, 31006259, 27153395, 24077912, 22589294)

St. Jude Molecular Pathology, St. Jude Children's Research Hospital
Classification: Uncertain significance for Noonan syndrome. Last evaluated: 2020-09-22. Review status: criteria provided, single submitter. Criteria: St. Jude Assertion Criteria 2020. Collection method: clinical testing. Allele origin: germline. Not counted in ClinVar's aggregate classification.

Women's Health and Genetics/Laboratory Corporation of America, LabCorp
Classification: Likely benign. Last evaluated: 2019-11-04. Review status: criteria provided, single submitter. Criteria: LabCorp Variant Classification Summary - May 2015. Collection method: clinical testing. Allele origin: germline. Not counted in ClinVar's aggregate classification.
Comment: Variant summary: SOS1 c.3286T>A (p.Ser1096Thr) results in a conservative amino acid change in the encoded protein sequence. Four of five in-silico tools predict a benign effect of the variant on protein function. The variant allele was found at a frequency of 9.9e-05 in 251348 control chromosomes, predominantly at a frequency of 0.00019 within the Non-Finnish European subpopulation in the gnomAD database. The observed variant frequency within Non-Finnish European control individuals in the gnomAD database is approximately 6.3 fold of the estimated maximal expected allele frequency for a pathogenic variant in SOS1 causing Noonan Syndrome and Related Conditions phenotype (3e-05), strongly suggesting that the variant is a benign polymorphism found primarily in populations of Non-Finnish European origin. c.3286T>A has not been reported in the literature in individuals affected with Noonan Syndrome and Related Conditions but was reported in an individual with osteosarcoma (classified as benign, Zhang_2015), in an individual with a family history of breast and ovarian cancer (classified as a VUS, Maxwell_2016) and in one family with idiopathic HCM where it segregated with disease in 2/3 individuals (maternal grandmother of the proband carried the variant and was unaffected by HCM, Kaski_2012). Therefore, these report(s) do not provide unequivocal conclusions about association of the variant with Noonan Syndrome and Related Conditions and in-fact are supportive of a lack of association with the disease phenotype. To our knowledge, no experimental evidence demonstrating an impact on protein function has been reported. Two clinical diagnostic laboratories have submitted clinical-significance assessments for this variant to ClinVar after 2014 without evidence for independent evaluation. All laboratories classified the variant as uncertain significance. Based on the evidence outlined above, and no additional evidence supporting a pathogenic outcome since its initial evaluation, the variant was re-classified as likely benign.

Illumina Laboratory Services, Illumina
Classification: Benign for Fibromatosis, gingival, 1. Last evaluated: 2017-04-27. Review status: criteria provided, single submitter. Criteria: ICSL Variant Classification Criteria 13 December 2019. Collection method: clinical testing. Allele origin: germline. Not counted in ClinVar's aggregate classification.
Comment: This variant was observed as part of a predisposition screen in an ostensibly healthy population. A literature search was performed for the gene, cDNA change, and amino acid change (where applicable). No publications were found based on this search. Allele frequency data from public databases was too high to be consistent with this variant causing disease. Therefore, this variant is classified as benign.

Illumina Laboratory Services, Illumina
Classification: Uncertain significance for Noonan syndrome 4. Last evaluated: 2017-04-27. Review status: criteria provided, single submitter. Criteria: ICSL Variant Classification Criteria 13 December 2019. Collection method: clinical testing. Allele origin: germline. Not counted in ClinVar's aggregate classification.
Comment: This variant was observed as part of a predisposition screen in an ostensibly healthy population. A literature search was performed for the gene, cDNA change, and amino acid change (where applicable). Publications were found based on this search. However, the evidence from the literature, in combination with allele frequency data from public databases where available, was not sufficient to rule this variant in or out of causing disease. Therefore, this variant is classified as a variant of unknown significance.

Literature cited by the submitters: PubMed 22589294 (cited by 3 submitters); PubMed 26580448 (cited by Ambry Genetics and Women's Health and Genetics/Laboratory Corporation of America, LabCorp); PubMed 27153395 (cited by 3 submitters).

NM_005633.4(SOS1):c.3286T>A (p.Ser1096Thr)

Gene: SOS1 (SOS Ras/Rac guanine nucleotide exchange factor 1; minus strand). Cytogenetic location: 2p22.1.
Variant type: single nucleotide variant.
Coding change: c.3286T>A on transcript NM_005633.4 (MANE Select); coding-DNA position 3286, T replaced by A.
Protein change: p.Ser1096Thr; replaces serine 1096 with threonine.
Molecular consequence: missense variant.
Genome position (GRCh38, 1-based): chr2:38,995,183, A>T on the plus strand (T>A on the coding strand, the complement: SOS1 is on the minus strand). VCF-style: chr2-38995183-A-T. GRCh37 (hg19) VCF-style: chr2-39222324-A-T.
Other names: c.3265T>A, p.Ser1089Thr (NM_001382394.1); c.3286T>A, p.Ser1096Thr (NM_001382395.1); c.3286T>A (NM_005633.3); short protein forms S1096T, S1089T.
Identifiers: ClinVar variation 477722 (VCV000477722.27), dbSNP rs376722127, ClinGen allele CA1624230.
Genomic context (GRCh38, chr2:38,995,183, plus strand): 5'-TTGAGTGAAAAGGGCTCGAATGATCGGAATCAAATACACTGCAAACATCTGTGGTACTGG[A>T]AGCACCAGAAGCAGGCGGAGGTGTTAACGGTGTTCTTGGAGAATTTGGTGCAGATGCTGT-3'
Protein context (NP_005624.2, residues 1086-1106): PLTPPPASGA[Ser1096Thr]STTDVCSVFD